The following is an entry in ClinVar:

ClinVar aggregate classification (germline): Uncertain significance. Review status: criteria provided, multiple submitters, no conflicts (2 of 4 stars). 2 submissions from 2 submitters: Uncertain significance (2). Last evaluated 2026-04-27.

Conditions:
Hereditary cancer-predisposing syndrome. Also called: Tumor predisposition; Neoplastic Syndromes, Hereditary; Hereditary Cancer Syndrome; Hereditary neoplastic syndrome. Identifiers: Orphanet 140162, MedGen C0027672, MeSH D009386, MONDO:0015356.

Submissions (2):

Ambry Genetics
Classification: Uncertain significance for Hereditary cancer-predisposing syndrome. Last evaluated: 2026-04-27. Review status: criteria provided, single submitter. Criteria: Ambry Variant Classification Scheme 2023. Collection method: clinical testing. Allele origin: germline.
Comment: The c.2691_2696delGAACAT variant (also known as p.L897_I899delinsF) is located in coding exon 23 of the POLE gene. This variant results from an in-frame GAACAT deletion at nucleotide positions 2691 to 2696. This results in the deletion of three amino acids (LNI) and the insertion of a single amino acid (F) at codons 897 to 899. These amino acid positions are highly conserved in available vertebrate species. In addition, this variant is predicted to be deleterious by in silico analysis (Choi Y et al. PLoS ONE. 2012; 7(10):e46688). Based on the available evidence, the clinical significance of this variant remains unclear.

Labcorp Genetics (formerly Invitae), Labcorp
Classification: Uncertain significance. Last evaluated: 2020-11-06. Review status: criteria provided, single submitter. Criteria: Invitae Variant Classification Sherloc (09022015). Collection method: clinical testing. Allele origin: germline.
Comment: This variant, c.2691_2696del, results in the deletion of 3 and insertion of 1 amino acid(s) in the POLE protein (p.Leu897_Ile899delinsPhe), but otherwise preserves the integrity of the reading frame. This variant is not present in population databases (ExAC no frequency). This variant has not been reported in the literature in individuals with POLE-related conditions. Experimental studies and prediction algorithms are not available or were not evaluated, and the functional significance of this variant is currently unknown. In summary, the available evidence is currently insufficient to determine the role of this variant in disease. Therefore, it has been classified as a Variant of Uncertain Significance.

NM_006231.4(POLE):c.2691_2696del (p.Leu897_Ile899delinsPhe)

Gene: POLE (DNA polymerase epsilon, catalytic subunit; minus strand). Cytogenetic location: 12q24.33.
Variant type: Deletion.
Coding change: c.2691_2696del on transcript NM_006231.4 (MANE Select); coding-DNA positions 2691 to 2696, 6 bases deleted (GAACAT; older notation c.2691_2696delGAACAT).
Protein change: p.Leu897_Ile899delinsPhe.
Molecular consequence: inframe indel.
Genome position (GRCh38, 1-based): chr12:132,664,014-132,664,019, ATGTTC deleted on the plus strand (GAACAT on the coding strand, the reverse complement: POLE is on the minus strand); deleting any 6 consecutive bases within chr12:132,664,014-132,664,020 gives the same sequence; the c. name uses the placement nearest the transcript's 3' end. VCF-style (leftmost placement, unchanged base first): chr12-132664013-GATGTTC-G. GRCh37 (hg19) VCF-style: chr12-133240599-GATGTTC-G.
Other names: c.2691_2696delGAACAT (NM_006231.2).
Identifiers: ClinVar variation 1461598 (VCV001461598.9), dbSNP rs2135956475, ClinGen allele CA2573148239.
Genomic context (GRCh38, chr12:132,664,013, plus strand): 5'-GCACTGACGCCAGGCCAGCCAGAGCTTCAGGACCAGAGGCCCCAGACTCACCTTGACCAT[GATGTTC>G]AACATGGCGCCTGGGTAGGAGATGGTCACTTTGGGCTTCTTCACATTGGTCGTCTTGAAG-3'